The following is an entry in ClinVar:

ClinVar aggregate classification (germline): Uncertain significance. Review status: criteria provided, multiple submitters, no conflicts (2 of 4 stars). 3 submissions from 3 submitters: Uncertain significance (3). Last evaluated 2025-08-10.

Conditions:
Cardiovascular phenotype. Identifiers: MedGen CN230736.

Allele frequency attached by ClinVar (database versions not stated): gnomAD 0.00001; TOPMed 0.00001; ExAC 0.00002.
gnomAD v4.1: 45 of 1,594,702 alleles (0.0028%); highest among the groups gnomAD compares: Non-Finnish European, 0.0036%; no homozygotes.

Submissions (3):

Ambry Genetics
Classification: Uncertain significance for Cardiovascular phenotype. Last evaluated: 2025-08-10. Review status: criteria provided, single submitter. Criteria: Ambry Variant Classification Scheme 2023. Collection method: clinical testing. Allele origin: germline.

Women's Health and Genetics/Laboratory Corporation of America, LabCorp
Classification: Uncertain significance. Last evaluated: 2024-12-16. Review status: criteria provided, single submitter. Criteria: LabCorp Variant Classification Summary - May 2015. Collection method: clinical testing. Allele origin: germline.
Comment: Variant summary: TNXB c.3949C>A (p.Pro1317Thr) results in a non-conservative amino acid change located in the Fibronectin type-III domain (IPR003961) of the encoded protein sequence. Two of four in-silico tools predict a benign effect of the variant on protein function. The variant allele was found at a frequency of 4.5e-06 in 221808 control chromosomes (gnomAD). The available data on variant occurrences in the general population are insufficient to allow any conclusion about variant significance. To our knowledge, no occurrence of c.3949C>A in individuals affected with Ehlers-Danlos syndrome due to tenascin-X deficiency and no experimental evidence demonstrating its impact on protein function have been reported. ClinVar contains an entry for this variant (Variation ID: 2464211). Based on the evidence outlined above, the variant was classified as uncertain significance.

Mayo Clinic Laboratories, Mayo Clinic
Classification: Uncertain significance. Last evaluated: 2023-06-16. Review status: criteria provided, single submitter. Criteria: ACMG Guidelines, 2015. Collection method: clinical testing. Allele origin: germline. Observed: 1 variant allele.
Comment: BP4

NM_001365276.2(TNXB):c.3949C>A (p.Pro1317Thr)

Gene: TNXB (tenascin XB; minus strand). Cytogenetic location: 6p21.33.
Variant type: single nucleotide variant.
Coding change: c.3949C>A on transcript NM_001365276.2 (MANE Select); coding-DNA position 3949, C replaced by A.
Protein change: p.Pro1317Thr; replaces proline 1317 with threonine.
Molecular consequence: missense variant.
Genome position (GRCh38, 1-based): chr6:32,081,461, G>T on the plus strand (C>A on the coding strand, the complement: TNXB is on the minus strand). VCF-style: chr6-32081461-G-T. GRCh37 (hg19) VCF-style: chr6-32049238-G-T.
Other names: p.Pro1317Thr; c.3949C>A, p.Pro1317Thr (NM_019105.8); short protein forms P1317T.
Identifiers: ClinVar variation 2464211 (VCV002464211.5), dbSNP rs778225501, ClinGen allele CA3735075.